The following is an entry in ClinVar:

ClinVar aggregate classification (germline): Uncertain significance (1 of 4 stars; one submission).

Allele frequency attached by ClinVar (database versions not stated): gnomAD 0.00001; TOPMed below 0.00001 and 0.00001.
gnomAD v4.1: 3 of 1,614,012 alleles (0.00019%); highest among the groups gnomAD compares: Non-Finnish European, 0.00025%; no homozygotes.

Submission:

GeneDx
Classification: Uncertain significance. Last evaluated: 2025-06-13. Review status: criteria provided, single submitter. Criteria: GeneDx Variant Classification Process June 2021. Collection method: clinical testing. Allele origin: germline. Affected: yes.
Comment: Not observed at significant frequency in large population cohorts (gnomAD); In silico analysis suggests that this missense variant does not alter protein structure/function; Has not been previously published as pathogenic or benign to our knowledge

NM_000384.3(APOB):c.10408T>C (p.Tyr3470His)

Gene: APOB (apolipoprotein B; minus strand). Cytogenetic location: 2p24.1.
Variant type: single nucleotide variant.
Coding change: c.10408T>C on transcript NM_000384.3 (MANE Select); coding-DNA position 10408, T replaced by C.
Protein change: p.Tyr3470His; replaces tyrosine 3470 with histidine.
Molecular consequence: missense variant.
Genome position (GRCh38, 1-based): chr2:21,006,460, A>G on the plus strand (T>C on the coding strand, the complement: APOB is on the minus strand). VCF-style: chr2-21006460-A-G. GRCh37 (hg19) VCF-style: chr2-21229332-A-G.
Other names: c.10408T>C (NM_000384.2); short protein forms Y3470H.
Identifiers: ClinVar variation 4537639 (VCV004537639.1), dbSNP rs1406167243.